The following is an entry in ClinVar:

NM_003640.5(ELP1):c.893C>T (p.Ser298Phe)

Gene: ELP1 (elongator acetyltransferase complex subunit 1; minus strand). Cytogenetic location: 9q31.3.
Variant type: single nucleotide variant.
Coding change: c.893C>T on transcript NM_003640.5 (MANE Select); coding-DNA position 893, C replaced by T.
Protein change: p.Ser298Phe; replaces serine 298 with phenylalanine.
Molecular consequence: missense variant. On other transcripts: 5 prime UTR variant (1).
Genome position (GRCh38, 1-based): chr9:108,916,269, G>A on the plus strand (C>T on the coding strand, the complement: ELP1 is on the minus strand). VCF-style: chr9-108916269-G-A. GRCh37 (hg19) VCF-style: chr9-111678549-G-A.
Other names: c.551C>T, p.Ser184Phe (NM_001318360.2); c.-155C>T (NM_001330749.2); short protein forms S184F, S298F.
Identifiers: ClinVar variation 990664 (VCV000990664.9), dbSNP rs1288706972, ClinGen allele CA374385411.
Genomic context (GRCh38, chr9:108,916,269, plus strand): 5'-GTTTTCGGAATGGAGCTTTCTTCTCTCTGAAGGTCTTCCAGCCAGACTGCAAGCACAGAG[G>A]AATCTGCATTCCAGAGCAAGTCATTTACCTAGAAGGGAAAAAAGATCTGTCATTGGCTTT-3'
Protein context (NP_003631.2, residues 288-308): KVNDLLWNAD[Ser298Phe]SVLAVWLEDL

ClinVar aggregate classification (germline): Uncertain significance. Review status: criteria provided, multiple submitters, no conflicts (2 of 4 stars). 3 submissions from 3 submitters: Uncertain significance (2). 1 of the submissions does not count toward it. Last evaluated 2024-02-04.

Conditions:
Familial dysautonomia. Also called: FD; HSAN III. Identifiers: Orphanet 1764, MedGen C0013364, MONDO:0009131, OMIM 223900. Disease mechanism: loss of function.
Medulloblastoma (MDB). Also called: MEDULLOBLASTOMA PREDISPOSITION SYNDROME; Medulloblastoma, somatic. Identifiers: Orphanet 616, MedGen C0025149, MeSH D008527, MONDO:0007959, OMIM 155255, HP:0002885.

Allele frequency attached by ClinVar (database versions not stated): gnomAD exomes 0.00001; TOPMed 0.00001.
gnomAD v4.1: 3 of 1,614,080 alleles (0.00019%); highest among the groups gnomAD compares: Non-Finnish European, 0.00025%; no homozygotes.

Submissions (3):

Fulgent Genetics
Classification: Uncertain significance for Medulloblastoma; Familial dysautonomia. Last evaluated: 2024-02-04. Review status: criteria provided, single submitter. Criteria: ACMG Guidelines, 2015. Collection method: clinical testing. Allele origin: germline.

Labcorp Genetics (formerly Invitae), Labcorp
Classification: Uncertain significance. Last evaluated: 2021-08-07. Review status: criteria provided, single submitter. Criteria: Invitae Variant Classification Sherloc (09022015). Collection method: clinical testing. Allele origin: germline.
Comment: In summary, the available evidence is currently insufficient to determine the role of this variant in disease. Therefore, it has been classified as a Variant of Uncertain Significance. Algorithms developed to predict the effect of missense changes on protein structure and function are either unavailable or do not agree on the potential impact of this missense change (SIFT: "Deleterious"; PolyPhen-2: "Probably Damaging"; Align-GVGD: "Class C15"). This variant has not been reported in the literature in individuals with ELP1-related conditions. ClinVar contains an entry for this variant (Variation ID: 990664). This variant is not present in population databases (ExAC no frequency). This sequence change replaces serine with phenylalanine at codon 298 of the ELP1 protein (p.Ser298Phe). The serine residue is highly conserved and there is a large physicochemical difference between serine and phenylalanine.

Natera, Inc.
Classification: Uncertain significance for Familial dysautonomia. Last evaluated: 2020-08-14. Review status: no assertion criteria provided. Collection method: clinical testing. Allele origin: germline. Not counted in ClinVar's aggregate classification.